The following is an entry in ClinVar:

NM_000237.3(LPL):c.409C>T (p.Arg137Trp)

Gene: LPL (lipoprotein lipase; plus strand). Cytogenetic location: 8p21.3.
Variant type: single nucleotide variant.
Coding change: c.409C>T on transcript NM_000237.3 (MANE Select); coding-DNA position 409, C replaced by T.
Protein change: p.Arg137Trp; replaces arginine 137 with tryptophan.
Molecular consequence: missense variant.
Genome position (GRCh38, 1-based): chr8:19,951,928, C>T. VCF-style: chr8-19951928-C-T. GRCh37 (hg19) VCF-style: chr8-19809439-C-T.
Other names: short protein forms R137W.
Identifiers: ClinVar variation 3230721 (VCV003230721.1), dbSNP rs376875031, ClinGen allele CA4655404.

ClinVar aggregate classification (germline): Uncertain significance (1 of 4 stars; one submission).

Conditions:
Cardiovascular phenotype. Identifiers: MedGen CN230736.

Allele frequency attached by ClinVar (database versions not stated): gnomAD 0.00001; TOPMed 0.00003; ESP Exome Variant Server 0.00008.
gnomAD v4.1: 17 of 1,613,880 alleles (0.0011%); highest among the groups gnomAD compares: Middle Eastern, 0.033%; no homozygotes.

Submission:

Ambry Genetics
Classification: Uncertain significance for Cardiovascular phenotype. Last evaluated: 2023-12-25. Review status: criteria provided, single submitter. Criteria: Ambry Variant Classification Scheme 2023. Collection method: clinical testing. Allele origin: germline.
Comment: The p.R137W variant (also known as c.409C>T), located in coding exon 3 of the LPL gene, results from a C to T substitution at nucleotide position 409. The arginine at codon 137 is replaced by tryptophan, an amino acid with dissimilar properties. This amino acid position is conserved. In addition, the in silico prediction for this alteration is inconclusive. Since supporting evidence is limited at this time, the clinical significance of this alteration remains unclear.